The following is an entry in ClinVar:

ClinVar aggregate classification (germline): Uncertain significance. Review status: criteria provided, multiple submitters, no conflicts (2 of 4 stars). 2 submissions from 2 submitters: Uncertain significance (2). Last evaluated 2024-10-25.

Conditions:
Epilepsy, progressive myoclonic, 1B. Also called: PME. Identifiers: Orphanet 308, MedGen C2676254, MONDO:0012904, OMIM 612437.

Allele frequency attached by ClinVar (database versions not stated): gnomAD exomes 0.00002 and below 0.00001; gnomAD 0.00001; ExAC 0.00002.
gnomAD v4.1: 7 of 1,614,054 alleles (0.00043%); highest among the groups gnomAD compares: Admixed American, 0.0067%; no homozygotes.

Submissions (2):

Labcorp Genetics (formerly Invitae), Labcorp
Classification: Uncertain significance for Epilepsy, progressive myoclonic, 1B. Last evaluated: 2024-10-25. Review status: criteria provided, single submitter. Criteria: Invitae Variant Classification Sherloc (09022015). Collection method: clinical testing. Allele origin: germline.
Comment: This sequence change replaces valine, which is neutral and non-polar, with methionine, which is neutral and non-polar, at codon 149 of the PRICKLE1 protein (p.Val149Met). This variant is present in population databases (rs751791144, gnomAD 0.009%). This variant has not been reported in the literature in individuals affected with PRICKLE1-related conditions. ClinVar contains an entry for this variant (Variation ID: 650112). Invitae Evidence Modeling of protein sequence and biophysical properties (such as structural, functional, and spatial information, amino acid conservation, physicochemical variation, residue mobility, and thermodynamic stability) indicates that this missense variant is not expected to disrupt PRICKLE1 protein function with a negative predictive value of 80%. In summary, the available evidence is currently insufficient to determine the role of this variant in disease. Therefore, it has been classified as a Variant of Uncertain Significance.

Ambry Genetics
Classification: Uncertain significance. Last evaluated: 2017-07-06. Review status: criteria provided, single submitter. Criteria: Ambry Variant Classification Scheme 2023. Collection method: clinical testing. Allele origin: germline.
Comment: The p.V149M variant (also known as c.445G>A), located in coding exon 4 of the PRICKLE1 gene, results from a G to A substitution at nucleotide position 445. The valine at codon 149 is replaced by methionine, an amino acid with highly similar properties. This amino acid position is not well conserved in available vertebrate species. In addition, this alteration is predicted to be tolerated by in silico analysis. Since supporting evidence is limited at this time, the clinical significance of this alteration remains unclear.

NM_153026.3(PRICKLE1):c.445G>A (p.Val149Met)

Gene: PRICKLE1 (prickle planar cell polarity protein 1; minus strand). Cytogenetic location: 12q12.
Variant type: single nucleotide variant.
Coding change: c.445G>A on transcript NM_153026.3 (MANE Select); coding-DNA position 445, G replaced by A.
Protein change: p.Val149Met; replaces valine 149 with methionine.
Molecular consequence: missense variant.
Genome position (GRCh38, 1-based): chr12:42,468,769, C>T on the plus strand (G>A on the coding strand, the complement: PRICKLE1 is on the minus strand). VCF-style: chr12-42468769-C-T. GRCh37 (hg19) VCF-style: chr12-42862571-C-T.
Other names: c.445G>A, p.Val149Met (NM_001144881.2, NM_001144882.2, NM_001144883.2); short protein forms V149M.
Identifiers: ClinVar variation 650112 (VCV000650112.9), dbSNP rs751791144, ClinGen allele CA6519907.